The following is an entry in ClinVar:

NM_000535.7(PMS2):c.28G>T (p.Glu10Ter)

Gene: PMS2 (PMS1 homolog 2, mismatch repair system component; minus strand). Cytogenetic location: 7p22.1.
Variant type: single nucleotide variant.
Coding change: c.28G>T on transcript NM_000535.7 (MANE Select); coding-DNA position 28, G replaced by T.
Protein change: p.Glu10Ter; replaces glutamic acid 10 with a stop codon.
Molecular consequence: nonsense. On other transcripts: 5 prime UTR variant (23), non-coding transcript variant (1), intron variant (7), splice acceptor variant (15).
Genome position (GRCh38, 1-based): chr7:6,006,027, C>A on the plus strand (G>T on the coding strand, the complement: PMS2 is on the minus strand). VCF-style: chr7-6006027-C-A. GRCh37 (hg19) VCF-style: chr7-6045658-C-A.
Other names: c.-378G>T (NM_001322005.2, NM_001406891.1, NM_001406893.1 and 1 more transcripts); c.28G>T, p.Glu10Ter (NM_001322006.2, NM_001322014.2, NM_001406868.1 and 10 more transcripts); c.-188G>T (NM_001322007.2, NM_001406876.1, NM_001406896.1 and 2 more transcripts); c.-857G>T (NM_001322011.2); c.214G>T, p.Glu72Ter (NM_001406866.1); c.-457G>T (NM_001406875.1, NM_001406877.1, NM_001406878.1 and 1 more transcripts); c.-404G>T (NM_001406880.1); c.-325G>T (NM_001406888.1, NM_001406892.1, NM_001406894.1 and 3 more transcripts); and 12 more; short protein forms E10*, E72*.
Identifiers: ClinVar variation 1797432 (VCV001797432.2), dbSNP rs2128847171, ClinGen allele CA366745198.

ClinVar aggregate classification (germline): Pathogenic (1 of 4 stars; one submission).

Conditions:
Hereditary cancer-predisposing syndrome. Also called: Neoplastic Syndromes, Hereditary; Tumor predisposition; Hereditary Cancer Syndrome; Hereditary neoplastic syndrome. Identifiers: Orphanet 140162, MedGen C0027672, MeSH D009386, MONDO:0015356.

Submission:

Ambry Genetics
Classification: Pathogenic for Hereditary cancer-predisposing syndrome. Last evaluated: 2020-10-27. Review status: criteria provided, single submitter. Criteria: Ambry Variant Classification Scheme 2023. Collection method: clinical testing. Allele origin: germline.
Comment: The p.E10* pathogenic mutation (also known as c.28G>T), located in coding exon 2 of the PMS2 gene, results from a G to T substitution at nucleotide position 28. This changes the amino acid from a glutamic acid to a stop codon within coding exon 2. The predicted stop codon occurs within the first 150 nucleotides of thePMS2 gene. This alteration may escape nonsense-mediated mRNAdecay and/or be rescued by re-initiation (Rivas et al. Science. 2015 May 8;348(6235):666-9; Lindeboom et al. Nat Genet. 2016 Oct;48(10):1112-8; Rhee et al. Sci Rep. 2017 May 10;7(1):1653). However, a significant portion of the protein is affected (Ambry internal data). As such, this alteration is interpreted as a disease-causing mutation.